The following is an entry in ClinVar:

ClinVar aggregate classification (germline): Benign (0 of 4 stars; one submission).

Conditions:
KCTD18-related disorder. Also called: KCTD18-related condition.

Allele frequency attached by ClinVar (database versions not stated): 1000 Genomes Project 30x 0.00125; 1000 Genomes Project 0.00140; ESP Exome Variant Server 0.00254.
gnomAD v4.1: 673 of 1,614,058 alleles (0.042%); highest among the groups gnomAD compares: African/African-American, 0.8%; 9 homozygotes.

Submission:

PreventionGenetics, part of Exact Sciences
Classification: Benign for KCTD18-related condition. Last evaluated: 2019-11-08. Review status: no assertion criteria provided. Collection method: clinical testing. Allele origin: germline.
Comment: This variant is classified as benign based on ACMG/AMP sequence variant interpretation guidelines (Richards et al. 2015 PMID: 25741868, with internal and published modifications).

NM_152387.4(KCTD18):c.1182C>G (p.Pro394=)

Gene: KCTD18 (potassium channel tetramerization domain containing 18; minus strand). Cytogenetic location: 2q33.1.
Variant type: single nucleotide variant.
Coding change: c.1182C>G on transcript NM_152387.4 (MANE Select); coding-DNA position 1182, C replaced by G.
Protein change: p.Pro394=; no amino-acid change (proline 394 retained).
Molecular consequence: synonymous variant.
Genome position (GRCh38, 1-based): chr2:200,490,199, G>C on the plus strand (C>G on the coding strand, the complement: KCTD18 is on the minus strand). VCF-style: chr2-200490199-G-C. GRCh37 (hg19) VCF-style: chr2-201354922-G-C.
Other names: c.1182C>G, p.Pro394= (NM_001321547.2); c.555C>G, p.Pro185= (NM_001321548.2, NM_001321550.2).
Identifiers: ClinVar variation 3052716 (VCV003052716.2), dbSNP rs142017026, ClinGen allele CA2047478.